The following is an entry in ClinVar:

NM_000245.4(MET):c.2160T>G (p.Phe720Leu)

Gene: MET (MET proto-oncogene, receptor tyrosine kinase; plus strand). Cytogenetic location: 7q31.2.
Variant type: single nucleotide variant.
Coding change: c.2160T>G on transcript NM_000245.4 (MANE Select); coding-DNA position 2160, T replaced by G.
Protein change: p.Phe720Leu; replaces phenylalanine 720 with leucine.
Molecular consequence: missense variant.
Genome position (GRCh38, 1-based): chr7:116,758,516, T>G. VCF-style: chr7-116758516-T-G. GRCh37 (hg19) VCF-style: chr7-116398570-T-G.
Other names: c.2160T>G, p.Phe720Leu (NM_001127500.3, NM_001324401.3); c.870T>G, p.Phe290Leu (NM_001324402.2); short protein forms F720L, F290L.
Identifiers: ClinVar variation 4843772 (VCV004843772.1).

ClinVar aggregate classification (germline): Uncertain significance (1 of 4 stars; one submission).

Conditions:
Hereditary cancer-predisposing syndrome. Also called: Neoplastic Syndromes, Hereditary; Tumor predisposition; Hereditary Cancer Syndrome; Hereditary neoplastic syndrome. Identifiers: Orphanet 140162, MedGen C0027672, MeSH D009386, MONDO:0015356.

Submission:

Ambry Genetics
Classification: Uncertain significance for Hereditary cancer-predisposing syndrome. Last evaluated: 2026-01-12. Review status: criteria provided, single submitter. Criteria: Ambry Variant Classification Scheme 2023. Collection method: clinical testing. Allele origin: germline.
Comment: The p.F720L variant (also known as c.2160T>G), located in coding exon 8 of the MET gene, results from a T to G substitution at nucleotide position 2160. The phenylalanine at codon 720 is replaced by leucine, an amino acid with highly similar properties. This amino acid position is conserved. In addition, this alteration is predicted to be tolerated by in silico analysis. Based on the available evidence, the clinical significance of this variant remains unclear.